The following is an entry in ClinVar:

ClinVar aggregate classification (germline): Uncertain significance. Review status: criteria provided, multiple submitters, no conflicts (2 of 4 stars). 3 submissions from 3 submitters: Uncertain significance (3). Last evaluated 2025-10-17.

Conditions:
Hereditary cancer-predisposing syndrome. Also called: Neoplastic Syndromes, Hereditary; Tumor predisposition; Hereditary Cancer Syndrome; Hereditary neoplastic syndrome. Identifiers: Orphanet 140162, MedGen C0027672, MeSH D009386, MONDO:0015356.
Gorlin syndrome. Also called: Nevoid Basal Cell Carcinoma Syndrome; Basal cell nevus syndrome. Identifiers: Orphanet 377, MedGen C0004779, MONDO:0007187.
Medulloblastoma (MDB). Also called: MEDULLOBLASTOMA PREDISPOSITION SYNDROME; Medulloblastoma, somatic. Identifiers: Orphanet 616, MedGen C0025149, MeSH D008527, MONDO:0007959, OMIM 155255, HP:0002885.

Allele frequency attached by ClinVar (database versions not stated): gnomAD exomes below 0.00001; ExAC 0.00001; gnomAD 0.00001; 1000 Genomes Project 0.00020; 1000 Genomes Project 30x 0.00031.

Submissions (3):

Quest Diagnostics Nichols Institute San Juan Capistrano
Classification: Uncertain significance. Last evaluated: 2025-10-17. Review status: criteria provided, single submitter. Criteria: Quest Diagnostics criteria. Collection method: clinical testing. Allele origin: unknown.
Comment: The SUFU c.375G>T (p.Lys125Asn) variant has not been reported in individuals with SUFU-related conditions in the published literature. The frequency of this variant in the general population (Genome Aggregation Database) is uninformative in the assessment of its pathogenicity. Analysis of this variant using bioinformatics tools for the prediction of the effect of amino acid changes on protein structure and function yielded predictions that this variant is damaging. Based on the available information, we are unable to determine the clinical significance of this variant.

Labcorp Genetics (formerly Invitae), Labcorp
Classification: Uncertain significance for Gorlin syndrome; Medulloblastoma. Last evaluated: 2025-05-05. Review status: criteria provided, single submitter. Criteria: Invitae Variant Classification Sherloc (09022015). Collection method: clinical testing. Allele origin: germline.
Comment: This sequence change replaces lysine, which is basic and polar, with asparagine, which is neutral and polar, at codon 125 of the SUFU protein (p.Lys125Asn). This variant is present in population databases (rs184867271, gnomAD 0.003%). This variant has not been reported in the literature in individuals affected with SUFU-related conditions. ClinVar contains an entry for this variant (Variation ID: 1734662). Invitae Evidence Modeling of protein sequence and biophysical properties (such as structural, functional, and spatial information, amino acid conservation, physicochemical variation, residue mobility, and thermodynamic stability) indicates that this missense variant is not expected to disrupt SUFU protein function with a negative predictive value of 80%. In summary, the available evidence is currently insufficient to determine the role of this variant in disease. Therefore, it has been classified as a Variant of Uncertain Significance.

Ambry Genetics
Classification: Uncertain significance for Hereditary cancer-predisposing syndrome. Last evaluated: 2022-03-27. Review status: criteria provided, single submitter. Criteria: Ambry Variant Classification Scheme 2023. Collection method: clinical testing. Allele origin: germline.
Comment: The p.K125N variant (also known as c.375G>T), located in coding exon 3 of the SUFU gene, results from a G to T substitution at nucleotide position 375. The lysine at codon 125 is replaced by asparagine, an amino acid with similar properties. This amino acid position is conserved. In addition, the in silico prediction for this alteration is inconclusive. Since supporting evidence is limited at this time, the clinical significance of this alteration remains unclear.

NM_016169.4(SUFU):c.375G>T (p.Lys125Asn)

Gene: SUFU (SUFU negative regulator of hedgehog signaling; plus strand). Cytogenetic location: 10q24.32.
Variant type: single nucleotide variant.
Coding change: c.375G>T on transcript NM_016169.4 (MANE Select); coding-DNA position 375, G replaced by T.
Protein change: p.Lys125Asn; replaces lysine 125 with asparagine.
Molecular consequence: missense variant.
Genome position (GRCh38, 1-based): chr10:102,550,027, G>T. VCF-style: chr10-102550027-G-T. GRCh37 (hg19) VCF-style: chr10-104309784-G-T.
Other names: c.375G>T, p.Lys125Asn (NM_001178133.2); short protein forms K125N.
Identifiers: ClinVar variation 1734662 (VCV001734662.7), dbSNP rs184867271, ClinGen allele CA5667663.